The following is an entry in ClinVar:

NM_000222.3(KIT):c.632T>C (p.Val211Ala)

Gene: KIT (KIT proto-oncogene, receptor tyrosine kinase; plus strand). Cytogenetic location: 4q12.
Variant type: single nucleotide variant.
Coding change: c.632T>C on transcript NM_000222.3 (MANE Select); coding-DNA position 632, T replaced by C.
Protein change: p.Val211Ala; replaces valine 211 with alanine.
Molecular consequence: missense variant.
Genome position (GRCh38, 1-based): chr4:54,699,642, T>C. VCF-style: chr4-54699642-T-C. GRCh37 (hg19) VCF-style: chr4-55565808-T-C.
Other names: c.632T>C, p.Val211Ala (NM_001093772.2, NM_001385284.1, NM_001385285.1 and 4 more transcripts); short protein forms V211A.
Identifiers: ClinVar variation 2089168 (VCV002089168.4), dbSNP rs2475456613, ClinGen allele CA356898170.

ClinVar aggregate classification (germline): Uncertain significance (1 of 4 stars; one submission).

Conditions:
Gastrointestinal stromal tumor. Also called: Gastrointestinal stroma tumor; Gastrointestinal stromal tumor, somatic. Identifiers: Orphanet 44890, MedGen C0238198, MeSH D046152, MONDO:0011719, OMIM 606764, HP:0100723.

Submission:

Labcorp Genetics (formerly Invitae), Labcorp
Classification: Uncertain significance for Gastrointestinal stromal tumor. Last evaluated: 2022-12-20. Review status: criteria provided, single submitter. Criteria: Invitae Variant Classification Sherloc (09022015). Collection method: clinical testing. Allele origin: germline.
Comment: In summary, the available evidence is currently insufficient to determine the role of this variant in disease. Therefore, it has been classified as a Variant of Uncertain Significance. Algorithms developed to predict the effect of missense changes on protein structure and function output the following: SIFT: "Tolerated"; PolyPhen-2: "Benign"; Align-GVGD: "Class C0". The alanine amino acid residue is found in multiple mammalian species, which suggests that this missense change does not adversely affect protein function. This variant has not been reported in the literature in individuals affected with KIT-related conditions. This variant is not present in population databases (gnomAD no frequency). This sequence change replaces valine, which is neutral and non-polar, with alanine, which is neutral and non-polar, at codon 211 of the KIT protein (p.Val211Ala).